The following is an entry in ClinVar:

ClinVar aggregate classification (germline): Uncertain significance (1 of 4 stars; one submission).

Conditions:
Multiple endocrine neoplasia, type 1 (MEN1). Also called: MEN I; WERMER SYNDROME; Endocrine adenomatosis multiple; MEN 1; MEA I. Identifiers: Orphanet 652, MedGen C0025267, MeSH D018761, MONDO:0007540, OMIM 131100.

Submission:

Labcorp Genetics (formerly Invitae), Labcorp
Classification: Uncertain significance for Multiple endocrine neoplasia, type 1. Last evaluated: 2022-05-04. Review status: criteria provided, single submitter. Criteria: Invitae Variant Classification Sherloc (09022015). Collection method: clinical testing. Allele origin: germline.
Comment: This sequence change replaces glutamic acid, which is acidic and polar, with glycine, which is neutral and non-polar, at codon 290 of the MEN1 protein (p.Glu290Gly). This variant is not present in population databases (gnomAD no frequency). In summary, the available evidence is currently insufficient to determine the role of this variant in disease. Therefore, it has been classified as a Variant of Uncertain Significance. Algorithms developed to predict the effect of missense changes on protein structure and function (SIFT, PolyPhen-2, Align-GVGD) all suggest that this variant is likely to be tolerated. This variant has not been reported in the literature in individuals affected with MEN1-related conditions.

NM_001370259.2(MEN1):c.869A>G (p.Glu290Gly)

Gene: MEN1 (menin 1; minus strand). Cytogenetic location: 11q13.1.
Variant type: single nucleotide variant.
Coding change: c.869A>G on transcript NM_001370259.2 (MANE Select); coding-DNA position 869, A replaced by G.
Protein change: p.Glu290Gly; replaces glutamic acid 290 with glycine.
Molecular consequence: missense variant.
Genome position (GRCh38, 1-based): chr11:64,807,054, T>C on the plus strand (A>G on the coding strand, the complement: MEN1 is on the minus strand). VCF-style: chr11-64807054-T-C. GRCh37 (hg19) VCF-style: chr11-64574526-T-C.
Other names: c.884A>G, p.Glu295Gly (NM_000244.4, NM_001407145.1, NM_001407150.1 and 5 more transcripts); c.869A>G, p.Glu290Gly (NM_001370251.2, NM_001370260.2, NM_001370261.2 and 7 more transcripts); c.764A>G, p.Glu255Gly (NM_001370262.2, NM_001370263.2, NM_001407148.1 and 2 more transcripts); short protein forms E295G, E290G, E255G.
Identifiers: ClinVar variation 2133911 (VCV002133911.4), dbSNP rs1213891703, ClinGen allele CA381183565.